The following is an entry in ClinVar:

ClinVar aggregate classification (germline): Uncertain significance. Review status: criteria provided, multiple submitters, no conflicts (2 of 4 stars). 2 submissions from 2 submitters: Uncertain significance (2). Last evaluated 2025-01-06.

Conditions:
Hereditary cancer-predisposing syndrome. Also called: Neoplastic Syndromes, Hereditary; Tumor predisposition; Hereditary Cancer Syndrome; Hereditary neoplastic syndrome. Identifiers: Orphanet 140162, MedGen C0027672, MeSH D009386, MONDO:0015356.

Submissions (2):

Ambry Genetics
Classification: Uncertain significance for Hereditary cancer-predisposing syndrome. Last evaluated: 2025-01-06. Review status: criteria provided, single submitter. Criteria: Ambry Variant Classification Scheme 2023. Collection method: clinical testing. Allele origin: germline.
Comment: The p.Y427D variant (also known as c.1279T>G), located in coding exon 4 of the MSH6 gene, results from a T to G substitution at nucleotide position 1279. The tyrosine at codon 427 is replaced by aspartic acid, an amino acid with highly dissimilar properties. This amino acid position is highly conserved in available vertebrate species. In addition, this alteration is predicted to be deleterious by in silico analysis. Based on the available evidence, the clinical significance of this variant remains unclear.

Color Diagnostics, LLC DBA Color Health
Classification: Uncertain significance for Hereditary cancer-predisposing syndrome. Last evaluated: 2024-03-06. Review status: criteria provided, single submitter. Criteria: ACMG Guidelines, 2015. Collection method: clinical testing. Allele origin: germline.
Comment: This missense variant replaces tyrosine with aspartic acid at codon 427 of the MSH6 protein. Computational prediction suggests that this variant may have deleterious impact on protein structure and function (internally defined REVEL score threshold >= 0.7, PMID: 27666373). Splice site prediction tools suggest that this variant may not impact RNA splicing. To our knowledge, functional studies have not been performed for this variant. This variant has not been reported in individuals affected with hereditary cancer in the literature. This variant has not been identified in the general population by the Genome Aggregation Database (gnomAD). The available evidence is insufficient to determine the role of this variant in disease conclusively. Therefore, this variant is classified as a Variant of Uncertain Significance.

NM_000179.3(MSH6):c.1279T>G (p.Tyr427Asp)

Gene: MSH6 (mutS homolog 6; plus strand). Cytogenetic location: 2p16.3.
Variant type: single nucleotide variant.
Coding change: c.1279T>G on transcript NM_000179.3 (MANE Select); coding-DNA position 1279, T replaced by G.
Protein change: p.Tyr427Asp; replaces tyrosine 427 with aspartic acid.
Molecular consequence: missense variant.
Genome position (GRCh38, 1-based): chr2:47,799,262, T>G. VCF-style: chr2-47799262-T-G. GRCh37 (hg19) VCF-style: chr2-48026401-T-G.
Other names: c.889T>G, p.Tyr297Asp (NM_001281492.2); c.373T>G, p.Tyr125Asp (NM_001281493.2, NM_001281494.2); short protein forms Y125D, Y297D, Y427D.
Identifiers: ClinVar variation 924399 (VCV000924399.5), dbSNP rs1669315029, ClinGen allele CA346744103.